The following is an entry in ClinVar:

NM_001267550.2(TTN):c.53032G>A (p.Val17678Ile)

Genes: TTN (titin; minus strand), TTN-AS1 (TTN antisense RNA 1; plus strand), LOC126806425 (BRD4-independent group 4 enhancer GRCh37_chr2:179471933-179473132; plus strand). Cytogenetic location: 2q31.2.
Variant type: single nucleotide variant.
Coding change: c.53032G>A on transcript NM_001267550.2 (MANE Select); coding-DNA position 53032, G replaced by A.
Protein change: p.Val17678Ile; replaces valine 17678 with isoleucine.
Molecular consequence: missense variant.
Genome position (GRCh38, 1-based): chr2:178,607,656, C>T on the plus strand (G>A on the coding strand, the complement: TTN is on the minus strand). VCF-style: chr2-178607656-C-T. GRCh37 (hg19) VCF-style: chr2-179472383-C-T.
Other names: c.48109G>A, p.Val16037Ile (NM_001256850.1); c.25837G>A, p.Val8613Ile (NM_003319.4); c.45328G>A, p.Val15110Ile (NM_133378.4); c.26212G>A, p.Val8738Ile (NM_133432.3); c.26413G>A, p.Val8805Ile (NM_133437.4); short protein forms V15110I, V16037I, V17678I, V8613I, V8738I, V8805I.
Identifiers: ClinVar variation 5037799 (VCV005037799.1).

ClinVar aggregate classification (germline): Likely benign (1 of 4 stars; one submission).

Submission:

Molecular Diagnostic Laboratory for Inherited Cardiovascular Disease, Montreal Heart Institute
Classification: Likely benign. Last evaluated: 2026-09-21. Review status: criteria provided, single submitter. Criteria: ACMG Guidelines, 2015. Collection method: clinical testing. Allele origin: germline. Affected: no.
Comment: BP1